The following is an entry in ClinVar:

NM_020937.4(FANCM):c.567_568insGAGAGGGAGACGGGAGAGGGAGAGGGAGACGGGAGAGGGAGAGGCAGACGGGAGAGGGAGAGGGAGACGGGAGCTTTTTTTGAGAGTGCTTTTTCTT (p.Thr190fs)

Gene: FANCM (FA complementation group M; plus strand). Cytogenetic location: 14q21.2.
Variant type: Microsatellite.
Coding change: c.567_568insGAGAGGGAGACGGGAGAGGGAGAGGGAGACGGGAGAGGGAGAGGCAGACGGGAGAGGGAGAGGGAGACGGGAGCTTTTTTTGAGAGTGCTTTTTCTT on transcript NM_020937.4 (MANE Select); coding-DNA positions 567 to 568, GAGAGGGAGACGGGAGAGGGAGAGGGAGACGGGAGAGGGAGAGGCAGACGGGAGAGGGAGAGGGAGACGGGAGCTTTTTTTGAGAGTGCTTTTTCTT inserted.
Protein change: p.Thr190fs; shifts the reading frame from threonine 190.
Molecular consequence: frameshift variant.
Genome position: GRCh38: chr14:45,137,112-45,137,127. GRCh37 (hg19): chr14:45,606,315-45,606,330.
Other names: c.567_568insGAGAGGGAGACGGGAGAGGGAGAGGGAGACGGGAGAGGGAGAGGCAGACGGGAGAGGGAGAGGGAGACGGGAGCTTTTTTTGAGAGTGCTTTTTCTT, p.Thr190fs (NM_001308133.2, NM_001308134.2); short protein forms T190fs.
Identifiers: ClinVar variation 2009372 (VCV002009372.4).

ClinVar aggregate classification (germline): Pathogenic (1 of 4 stars; one submission).

Conditions:
Fanconi anemia (FA). Also called: Fanconi's anemia. Identifiers: Orphanet 84, MedGen C0015625, MeSH D005199, MONDO:0019391.

Submission:

Labcorp Genetics (formerly Invitae), Labcorp
Classification: Pathogenic for Fanconi anemia. Last evaluated: 2022-06-22. Review status: criteria provided, single submitter. Criteria: Invitae Variant Classification Sherloc (09022015). Collection method: clinical testing. Allele origin: germline.
Comment: For these reasons, this variant has been classified as Pathogenic. Retrotransposon insertions including LINE1 (L1), Alu, and SVA (SINE-VNTR-Alu) have been reported to be disease-causing through disruption of either a coding region or splice site (PMID: 19763152, 20307669, 22406018) and loss-of-function variants in FANCM are known to be pathogenic (PMID: 29895858, 30075111). Algorithms developed to predict the effect of sequence changes on RNA splicing suggest that this variant may disrupt the consensus splice site. This variant has not been reported in the literature in individuals affected with FANCM-related conditions. This variant is not present in population databases (gnomAD no frequency). This sequence change inserts a large fragment of DNA, likely a transposable element, in exon 2 of the FANCM gene (c.567_568ins?), causing a frameshift at codon 190 (p.Thr190fs). The exact size and sequence of the insertion cannot be determined by the current assay. However, the insertion is expected to result in an absent or disrupted protein product.

Literature cited by the submitters: PubMed 19763152; PubMed 20307669; PubMed 22406018; PubMed 29895858; PubMed 30075111.